The following is an entry in ClinVar:

NM_145262.4(GLYCTK):c.1566T>C (p.Pro522=)

Gene: GLYCTK (glycerate kinase; plus strand). Cytogenetic location: 3p21.2.
Variant type: single nucleotide variant.
Coding change: c.1566T>C on transcript NM_145262.4 (MANE Select); coding-DNA position 1566, T replaced by C.
Protein change: p.Pro522=; no amino-acid change (proline 522 retained).
Molecular consequence: synonymous variant. On other transcripts: non-coding transcript variant (4).
Genome position (GRCh38, 1-based): chr3:52,293,120, T>C. VCF-style: chr3-52293120-T-C. GRCh37 (hg19) VCF-style: chr3-52327136-T-C.
Other names: p.Pro522=.
Identifiers: ClinVar variation 733992 (VCV000733992.9), dbSNP rs61740226, ClinGen allele CA2432355.

ClinVar aggregate classification (germline): Benign/Likely benign. Review status: criteria provided, multiple submitters, no conflicts (2 of 4 stars). 2 submissions from 2 submitters: Benign (1); Likely benign (1). Last evaluated 2025-12-17.

Allele frequency attached by ClinVar (database versions not stated): gnomAD exomes 0.00010 and 0.00026; 1000 Genomes Project 30x 0.00031; ExAC 0.00031; 1000 Genomes Project 0.00040; ESP Exome Variant Server 0.00108; gnomAD 0.00128 and 0.00139; TOPMed 0.00147.

Submissions (2):

Labcorp Genetics (formerly Invitae), Labcorp
Classification: Benign. Last evaluated: 2025-12-17. Review status: criteria provided, single submitter. Criteria: Invitae Variant Classification Sherloc (09022015). Collection method: clinical testing. Allele origin: germline.

Mayo Clinic Laboratories, Mayo Clinic
Classification: Likely benign. Last evaluated: 2025-05-29. Review status: criteria provided, single submitter. Criteria: ACMG Guidelines, 2015. Collection method: clinical testing. Allele origin: germline. Observed: 1 variant allele.
Comment: BP4, BP7